The following is an entry in ClinVar:

NM_016239.4(MYO15A):c.2446del (p.Arg816fs)

Gene: MYO15A (myosin XVA; plus strand). Cytogenetic location: 17p11.2.
Variant type: Deletion.
Coding change: c.2446del on transcript NM_016239.4 (MANE Select); coding-DNA position 2446, one base deleted (C; older notation c.2446delC).
Protein change: p.Arg816fs; shifts the reading frame from arginine 816.
Molecular consequence: frameshift variant.
Genome position (GRCh38, 1-based): chr17:18,121,246, C deleted; the last of 2 consecutive C bases (chr17:18,121,245-18,121,246); deleting either gives the same sequence. VCF-style (leftmost placement, unchanged base first): chr17-18121244-GC-G. GRCh37 (hg19) VCF-style: chr17-18024558-GC-G.
Other names: short protein forms R816fs.
Identifiers: ClinVar variation 2846595 (VCV002846595.3), dbSNP rs747551593, ClinGen allele CA8423266.

ClinVar aggregate classification (germline): Pathogenic (1 of 4 stars; one submission).

Submission:

Labcorp Genetics (formerly Invitae), Labcorp
Classification: Pathogenic. Last evaluated: 2023-03-17. Review status: criteria provided, single submitter. Criteria: Invitae Variant Classification Sherloc (09022015). Collection method: clinical testing. Allele origin: germline.
Comment: For these reasons, this variant has been classified as Pathogenic. This variant has not been reported in the literature in individuals affected with MYO15A-related conditions. This variant is present in population databases (rs747551593, gnomAD 0.02%). This sequence change creates a premature translational stop signal (p.Arg816Glyfs*47) in the MYO15A gene. It is expected to result in an absent or disrupted protein product. Loss-of-function variants in MYO15A are known to be pathogenic (PMID: 17546645).

Literature cited by the submitters: PubMed 17546645.